The following is an entry in ClinVar:

ClinVar aggregate classification (germline): Conflicting classifications of pathogenicity. Review status: criteria provided, conflicting classifications (1 of 4 stars). 2 submissions from 2 submitters: Likely pathogenic (1); Uncertain significance (1). Last evaluated 2024-08-12.

Conditions:
Marfan syndrome (MFS). Also called: MARFAN SYNDROME, TYPE I; FBN1-Related Marfan Syndrome; Marfan syndrome type 1; Marfan's syndrome; Marfan syndrome, classic. Identifiers: Orphanet 284963, Orphanet 558, MedGen C0024796, MONDO:0007947, OMIM 154700.
Familial thoracic aortic aneurysm and aortic dissection (TAAD). Also called: Thoracic aortic aneurysms and dissections. Identifiers: Orphanet 91387, MedGen C4707243, MONDO:0019625.

Submissions (2):

Women's Health and Genetics/Laboratory Corporation of America, LabCorp
Classification: Uncertain significance. Last evaluated: 2024-08-12. Review status: criteria provided, single submitter. Criteria: LabCorp Variant Classification Summary - May 2015. Collection method: clinical testing. Allele origin: germline.
Comment: Variant summary: FBN1 c.1420T>G (p.Cys474Gly) results in a non-conservative amino acid change located in the EGF-like domain (IPR000742) of the encoded protein sequence. Missense mutations affecting or creating cysteine residues are listed among the criteria for a causal FBN1 mutation when identified as de novo (with proven paternity) in the revised Ghent criteria for the diagnosis of Marfan and related conditions (Loeys 2010). Five of five in-silico tools predict a damaging effect of the variant on protein function. The variant was absent in 251218 control chromosomes. To our knowledge, no occurrence of c.1420T>G in individuals affected with Marfan Syndrome and no experimental evidence demonstrating its impact on protein function have been reported. ClinVar contains an entry for this variant (Variation ID: 495555). Based on the evidence outlined above, until the de novo origin of this variant is unequivocally confirmed, the variant is classified as VUS-possibly pathogenic.

Labcorp Genetics (formerly Invitae), Labcorp
Classification: Likely pathogenic for Marfan syndrome; Familial thoracic aortic aneurysm and aortic dissection. Last evaluated: 2023-06-03. Review status: criteria provided, single submitter. Criteria: Invitae Variant Classification Sherloc (09022015). Collection method: clinical testing. Allele origin: germline.
Comment: This sequence change replaces cysteine, which is neutral and slightly polar, with glycine, which is neutral and non-polar, at codon 474 of the FBN1 protein (p.Cys474Gly). This variant is not present in population databases (gnomAD no frequency). This missense change has been observed in individual(s) with FBN1-related conditions (Invitae). In summary, the currently available evidence indicates that the variant is pathogenic, but additional data are needed to prove that conclusively. Therefore, this variant has been classified as Likely Pathogenic. This variant disrupts the p.Cys474 amino acid residue in FBN1. Other variant(s) that disrupt this residue have been determined to be pathogenic (PMID: 10721679, 16571647, 16905551, 17701892, 19349279). This suggests that this residue is clinically significant, and that variants that disrupt this residue are likely to be disease-causing. Algorithms developed to predict the effect of sequence changes on RNA splicing suggest that this variant may create or strengthen a splice site. Advanced modeling of protein sequence and biophysical properties (such as structural, functional, and spatial information, amino acid conservation, physicochemical variation, residue mobility, and thermodynamic stability) performed at Invitae indicates that this missense variant is expected to disrupt FBN1 protein function. ClinVar contains an entry for this variant (Variation ID: 495555).

Literature cited by the submitters: PubMed 10721679 (cited by Labcorp Genetics (formerly Invitae), Labcorp); PubMed 16571647 (cited by Labcorp Genetics (formerly Invitae), Labcorp); PubMed 16905551 (cited by Labcorp Genetics (formerly Invitae), Labcorp); PubMed 17701892 (cited by Labcorp Genetics (formerly Invitae), Labcorp); PubMed 19349279 (cited by Labcorp Genetics (formerly Invitae), Labcorp).

NM_000138.5(FBN1):c.1420T>G (p.Cys474Gly)

Gene: FBN1 (fibrillin 1; minus strand). Cytogenetic location: 15q21.1.
Variant type: single nucleotide variant.
Coding change: c.1420T>G on transcript NM_000138.5 (MANE Select); coding-DNA position 1420, T replaced by G.
Protein change: p.Cys474Gly; replaces cysteine 474 with glycine.
Molecular consequence: missense variant.
Genome position (GRCh38, 1-based): chr15:48,515,435, A>C on the plus strand (T>G on the coding strand, the complement: FBN1 is on the minus strand). VCF-style: chr15-48515435-A-C. GRCh37 (hg19) VCF-style: chr15-48807632-A-C.
Other names: short protein forms C474G.
Identifiers: ClinVar variation 495555 (VCV000495555.5), dbSNP rs1555400380, ClinGen allele CA392343762.